The following is an entry in ClinVar:

NM_000535.7(PMS2):c.904-7T>C

Gene: PMS2 (PMS1 homolog 2, mismatch repair system component; minus strand). Cytogenetic location: 7p22.1.
Variant type: single nucleotide variant.
Coding change: c.904-7T>C on transcript NM_000535.7 (MANE Select); 7 bases into the intron before coding-DNA position 904, T replaced by C.
Molecular consequence: intron variant.
Genome position (GRCh38, 1-based): chr7:5,992,064, A>G on the plus strand (T>C on the coding strand, the complement: PMS2 is on the minus strand). VCF-style: chr7-5992064-A-G. GRCh37 (hg19) VCF-style: chr7-6031695-A-G.
Other names: c.586-7T>C (NM_001322008.2, NM_001322007.2); c.499-7T>C (NM_001322010.2, NM_001322004.2, NM_001322003.2 and 2 more transcripts); c.331-7T>C (NM_001322013.2); c.-30-7T>C (NM_001322012.2, NM_001322011.2); c.595-7T>C (NM_001322015.2); c.904-7T>C (NM_001322006.2, NM_001322014.2).
Identifiers: ClinVar variation 1080806 (VCV001080806.11), dbSNP rs2128756503, ClinGen allele CA2499218970.
Genomic context (GRCh38, chr7:5,992,064, plus strand): 5'-TGGATACTGGTGTCGATTATACATGTGGTAGACCTCATTCACGAGTCTGCAGACCTGCAC[A>G]AAATACAAGGAGTAGAAAAGAATAAATGACAAATGTTCCCAGCCCCCCGCATTCTAACAA-3'

ClinVar aggregate classification (germline): Conflicting classifications of pathogenicity. Review status: criteria provided, conflicting classifications (1 of 4 stars). 3 submissions from 3 submitters: Uncertain significance (1); Likely benign (2). Last evaluated 2025-01-29.

Conditions:
Hereditary nonpolyposis colorectal neoplasms. Identifiers: MedGen C0009405, MeSH D003123.
Hereditary cancer-predisposing syndrome. Also called: Hereditary Cancer Syndrome; Hereditary neoplastic syndrome; Tumor predisposition; Neoplastic Syndromes, Hereditary. Identifiers: Orphanet 140162, MedGen C0027672, MeSH D009386, MONDO:0015356.
Lynch syndrome 4 (LYNCH4). Also called: Colorectal cancer, hereditary nonpolyposis, type 4; Hereditary non-polyposis colorectal cancer, type 4. Identifiers: Orphanet 144, MedGen C1838333, MONDO:0013699, OMIM 614337. Disease mechanism: loss of function.

Allele frequency attached by ClinVar (database versions not stated): gnomAD exomes below 0.00001.
gnomAD v4.1: 1 of 1,454,258 alleles (0.000069%); highest among the groups gnomAD compares: Non-Finnish European, 0.000097%; no homozygotes.

Submissions (3):

Myriad Genetics, Inc.
Classification: Likely benign for Lynch syndrome 4. Last evaluated: 2025-01-29. Review status: criteria provided, single submitter. Criteria: Myriad Autosomal Dominant, Autosomal Recessive and X-Linked Classification Criteria (2023). Collection method: clinical testing. Allele origin: unknown.
Comment: This variant is considered likely benign. This variant is intronic and is not expected to impact mRNA splicing.

Labcorp Genetics (formerly Invitae), Labcorp
Classification: Likely benign for Hereditary nonpolyposis colorectal neoplasms. Last evaluated: 2024-02-25. Review status: criteria provided, single submitter. Criteria: Invitae Variant Classification Sherloc (09022015). Collection method: clinical testing. Allele origin: germline.

Sema4
Classification: Uncertain significance for Hereditary cancer-predisposing syndrome. Last evaluated: 2021-08-10. Review status: criteria provided, single submitter. Criteria: Sema4 Curation Guidelines. Collection method: curation. Allele origin: germline.
Comment: The PMS2 c.904-7T>C variant has not been reported in the literature to our knowledge. It was not observed in the large and broad cohorts of the Genome Aggregation Database (PMID: 32461654). The variant has been reported in ClinVar (Variation ID 1080806). In silico tools suggest that the variant does not have an impact on splicing, though these predictions have not been confirmed by functional studies. The evidence is insufficient to meet ACMG/AMP criteria for classifying the variant as benign or pathogenic. Thus, the clinical significance of this variant is currently uncertain.